The following is an entry in ClinVar:

NM_152594.3(SPRED1):c.1001G>A (p.Arg334His)

Gene: SPRED1 (sprouty related EVH1 domain containing 1; plus strand). Cytogenetic location: 15q14.
Variant type: single nucleotide variant.
Coding change: c.1001G>A on transcript NM_152594.3 (MANE Select); coding-DNA position 1001, G replaced by A.
Protein change: p.Arg334His; replaces arginine 334 with histidine.
Molecular consequence: missense variant.
Genome position (GRCh38, 1-based): chr15:38,351,330, G>A. VCF-style: chr15-38351330-G-A. GRCh37 (hg19) VCF-style: chr15-38643531-G-A.
Other names: short protein forms R334H.
Identifiers: ClinVar variation 859841 (VCV000859841.15), dbSNP rs146702985, ClinGen allele CA7470217.

ClinVar aggregate classification (germline): Conflicting classifications of pathogenicity. Review status: criteria provided, conflicting classifications (1 of 4 stars). 3 submissions from 3 submitters: Uncertain significance (2); Likely benign (1). Last evaluated 2025-02-14.

Conditions:
Noonan syndrome and Noonan-related syndrome. Identifiers: Orphanet 98733, MedGen C5681679, MONDO:0020297.
Cardiovascular phenotype. Identifiers: MedGen CN230736.
Legius syndrome. Identifiers: Orphanet 137605, MedGen C1969623, MONDO:0012669, OMIM 611431. Disease mechanism: loss of function.

Allele frequency attached by ClinVar (database versions not stated): gnomAD 0.00001; gnomAD exomes 0.00002; TOPMed 0.00002; ExAC 0.00003; ESP Exome Variant Server 0.00008.
gnomAD v4.1: 16 of 1,613,974 alleles (0.00099%); highest among the groups gnomAD compares: East Asian, 0.0045%; 1 homozygote.

Submissions (3):

Ambry Genetics
Classification: Likely benign for Cardiovascular phenotype. Last evaluated: 2025-02-14. Review status: criteria provided, single submitter. Criteria: Ambry Variant Classification Scheme 2023. Collection method: clinical testing. Allele origin: germline.

Labcorp Genetics (formerly Invitae), Labcorp
Classification: Uncertain significance for Legius syndrome. Last evaluated: 2025-02-04. Review status: criteria provided, single submitter. Criteria: Invitae Variant Classification Sherloc (09022015). Collection method: clinical testing. Allele origin: germline.
Comment: This sequence change replaces arginine, which is basic and polar, with histidine, which is basic and polar, at codon 334 of the SPRED1 protein (p.Arg334His). This variant is present in population databases (rs146702985, gnomAD 0.02%). This variant has not been reported in the literature in individuals affected with SPRED1-related conditions. ClinVar contains an entry for this variant (Variation ID: 859841). Invitae Evidence Modeling incorporating data from in vitro experimental studies (internal data) indicates that this missense variant is not expected to disrupt SPRED1 function with a negative predictive value of 95%. In summary, the available evidence is currently insufficient to determine the role of this variant in disease. Therefore, it has been classified as a Variant of Uncertain Significance.

Genome Diagnostics Laboratory, The Hospital for Sick Children
Classification: Uncertain significance for Noonan syndrome and Noonan-related syndrome. Last evaluated: 2017-05-30. Review status: criteria provided, single submitter. Criteria: ACMG Guidelines, 2015. Collection method: clinical testing. Allele origin: germline.